The following is an entry in ClinVar:

NM_004187.5(KDM5C):c.1243-2A>G

Gene: KDM5C (lysine demethylase 5C; minus strand). Cytogenetic location: Xp11.22.
Variant type: single nucleotide variant.
Coding change: c.1243-2A>G on transcript NM_004187.5 (MANE Select); the canonical splice acceptor site of the intron before coding-DNA position 1243, A replaced by G.
Molecular consequence: splice acceptor variant.
Genome position (GRCh38, 1-based): chrX:53,211,657, T>C on the plus strand (A>G on the coding strand, the complement: KDM5C is on the minus strand). VCF-style: chrX-53211657-T-C. GRCh37 (hg19) VCF-style: chrX-53240839-T-C.
Other names: c.1240-2A>G (NM_001353982.2, NM_001353979.2, NM_001282622.3); c.1243-2A>G (NM_001353981.2, NM_001353984.2, NM_001353978.3); c.1042-2A>G (NM_001146702.2).
Identifiers: ClinVar variation 633505 (VCV000633505.7), dbSNP rs1569274606, ClinGen allele CA413130238.
Genomic context (GRCh38, chrX:53,211,657, plus strand): 5'-TCCTCAATGCTATTTACCAGCCTCCAGAACTCCTTCTCCACAAGTTCTGTGGGCACCATC[T>C]GGGGGAAGACAGGTAGCAGATGACTATGGCCCATCACACCCTGGACCCACTGATCCAGGT-3'

ClinVar aggregate classification (germline): Pathogenic/Likely pathogenic. Review status: criteria provided, multiple submitters, no conflicts (2 of 4 stars). 3 submissions from 3 submitters: Pathogenic (2); Likely pathogenic (1). Last evaluated 2024-12-20.

Conditions:
Spastic paraplegia. Identifiers: MedGen C0037772, HP:0001258.

Submissions (3):

GeneDx
Classification: Pathogenic. Last evaluated: 2024-12-20. Review status: criteria provided, single submitter. Criteria: GeneDx Variant Classification Process June 2021. Collection method: clinical testing. Allele origin: germline. Affected: yes.
Comment: Canonical splice site variant predicted to result in an in-frame loss of the adjacent exon in a gene for which loss of function is a known mechanism of disease; Not observed at significant frequency in large population cohorts (gnomAD); This variant is associated with the following publications: (PMID: 33057194, 35982159, 32279304)

Labcorp Genetics (formerly Invitae), Labcorp
Classification: Likely pathogenic for Spastic paraplegia. Last evaluated: 2022-10-09. Review status: criteria provided, single submitter. Criteria: Invitae Variant Classification Sherloc (09022015). Collection method: clinical testing. Allele origin: germline.
Comment: ClinVar contains an entry for this variant (Variation ID: 633505). In summary, the currently available evidence indicates that the variant is pathogenic, but additional data are needed to prove that conclusively. Therefore, this variant has been classified as Likely Pathogenic. Algorithms developed to predict the effect of sequence changes on RNA splicing suggest that this variant may disrupt the consensus splice site. Disruption of this splice site has been observed in individual(s) with clinical features of KDM5C-related conditions (PMID: 32279304). This variant is not present in population databases (gnomAD no frequency). This sequence change affects an acceptor splice site in intron 9 of the KDM5C gene. It is expected to disrupt RNA splicing. Variants that disrupt the donor or acceptor splice site typically lead to a loss of protein function (PMID: 16199547), and loss-of-function variants in KDM5C are known to be pathogenic (PMID: 15586325, 18697827).

Laboratory of Molecular Genetics (Pr. Bezieau's lab), CHU de Nantes
Classification: Pathogenic. Last evaluated: 2018-01-09. Review status: criteria provided, single submitter. Criteria: ACMG Guidelines, 2015. Collection method: clinical testing. Allele origin: germline. Affected: yes.

Literature cited by the submitters: PubMed 32279304 (cited by Labcorp Genetics (formerly Invitae), Labcorp); PubMed 16199547 (cited by Labcorp Genetics (formerly Invitae), Labcorp); PubMed 15586325 (cited by Labcorp Genetics (formerly Invitae), Labcorp); PubMed 18697827 (cited by Labcorp Genetics (formerly Invitae), Labcorp).